The following is an entry in ClinVar:

ClinVar aggregate classification (germline): Uncertain significance. Review status: criteria provided, multiple submitters, no conflicts (2 of 4 stars). 2 submissions from 2 submitters: Uncertain significance (2). Last evaluated 2023-01-26.

Conditions:
Asphyxiating thoracic dystrophy 3. Also called: SHORT-RIB THORACIC DYSPLASIA 3 WITH OR WITHOUT POLYDACTYLY; POLYDACTYLY WITH NEONATAL CHONDRODYSTROPHY, TYPE I; SHORT-RIB THORACIC DYSPLASIA 3/6 WITH POLYDACTYLY, DIGENIC; Short rib polydactyly syndrome 2B; Saldino-Noonan Syndrome. Identifiers: Orphanet 474, Orphanet 93269, Orphanet 93270, Orphanet 93271, MedGen C0036069, MONDO:0013127, OMIM 613091.

Allele frequency attached by ClinVar (database versions not stated): gnomAD 0.00001; gnomAD exomes 0.00001 and 0.00002; TOPMed 0.00003; ExAC 0.00004.
gnomAD v4.1: 9 of 1,515,816 alleles (0.00059%); highest among the groups gnomAD compares: East Asian, 0.023%; no homozygotes.

Submissions (2):

Blueprint Genetics
Classification: Uncertain significance. Last evaluated: 2023-01-26. Review status: criteria provided, single submitter. Criteria: ACMG Guidelines, 2015. Collection method: clinical testing. Allele origin: germline.

Juno Genomics, Hangzhou Juno Genomics, Inc
Classification: Uncertain significance for Asphyxiating thoracic dystrophy 3. Review status: criteria provided, single submitter. Criteria: ACMG Guidelines, 2015. Collection method: clinical testing. Allele origin: germline.
Comment: Absent from controls (or at extremely low frequency if recessive) in Genome Aggregation Database.;Multiple lines of computational evidence support a deleterious effect on the gene or gene product.

NM_001377.3(DYNC2H1):c.10606G>T (p.Asp3536Tyr)

Gene: DYNC2H1 (dynein cytoplasmic 2 heavy chain 1; plus strand). Cytogenetic location: 11q22.3.
Variant type: single nucleotide variant.
Coding change: c.10606G>T on transcript NM_001377.3 (MANE Select); coding-DNA position 10606, G replaced by T.
Protein change: p.Asp3536Tyr; replaces aspartic acid 3536 with tyrosine.
Molecular consequence: missense variant.
Genome position (GRCh38, 1-based): chr11:103,259,888, G>T. VCF-style: chr11-103259888-G-T. GRCh37 (hg19) VCF-style: chr11-103130617-G-T.
Other names: c.10627G>T, p.Asp3543Tyr (NM_001080463.2); short protein forms D3536Y, D3543Y.
Identifiers: ClinVar variation 1224325 (VCV001224325.4), dbSNP rs760478170, ClinGen allele CA6255026.